The following is an entry in ClinVar:

ClinVar aggregate classification (germline): Uncertain significance (1 of 4 stars; one submission).

Conditions:
Kabuki syndrome. Also called: NIIKAWA-KUROKI SYNDROME; Kabuki make-up syndrome. Identifiers: Orphanet 2322, MedGen C0796004, MONDO:0016512.

Submission:

Labcorp Genetics (formerly Invitae), Labcorp
Classification: Uncertain significance for Kabuki syndrome. Last evaluated: 2025-08-18. Review status: criteria provided, single submitter. Criteria: Invitae Variant Classification Sherloc (09022015). Collection method: clinical testing. Allele origin: germline.
Comment: This sequence change replaces glycine, which is neutral and non-polar, with alanine, which is neutral and non-polar, at codon 1010 of the KMT2D protein (p.Gly1010Ala). This variant is not present in population databases (gnomAD no frequency). This variant has not been reported in the literature in individuals affected with KMT2D-related conditions. ClinVar contains an entry for this variant (Variation ID: 3635162). Invitae Evidence Modeling of protein sequence and biophysical properties (such as structural, functional, and spatial information, amino acid conservation, physicochemical variation, residue mobility, and thermodynamic stability) indicates that this missense variant is not expected to disrupt KMT2D protein function with a negative predictive value of 95%. In summary, the available evidence is currently insufficient to determine the role of this variant in disease. Therefore, it has been classified as a Variant of Uncertain Significance.

NM_003482.4(KMT2D):c.3029G>C (p.Gly1010Ala)

Gene: KMT2D (lysine methyltransferase 2D; minus strand). Cytogenetic location: 12q13.12.
Variant type: single nucleotide variant.
Coding change: c.3029G>C on transcript NM_003482.4 (MANE Select); coding-DNA position 3029, G replaced by C.
Protein change: p.Gly1010Ala; replaces glycine 1010 with alanine.
Molecular consequence: missense variant.
Genome position (GRCh38, 1-based): chr12:49,050,559, C>G on the plus strand (G>C on the coding strand, the complement: KMT2D is on the minus strand). VCF-style: chr12-49050559-C-G. GRCh37 (hg19) VCF-style: chr12-49444342-C-G.
Other names: short protein forms G1010A.
Identifiers: ClinVar variation 3635162 (VCV003635162.2).